The following is an entry in ClinVar:

NM_004859.4(CLTC):c.3874G>C (p.Asp1292His)

Gene: CLTC (clathrin heavy chain; plus strand). Cytogenetic location: 17q23.1.
Variant type: single nucleotide variant.
Coding change: c.3874G>C on transcript NM_004859.4 (MANE Select); coding-DNA position 3874, G replaced by C.
Protein change: p.Asp1292His; replaces aspartic acid 1292 with histidine.
Molecular consequence: missense variant.
Genome position (GRCh38, 1-based): chr17:59,683,095, G>C. VCF-style: chr17-59683095-G-C. GRCh37 (hg19) VCF-style: chr17-57760456-G-C.
Other names: c.3886G>C, p.Asp1296His (NM_001288653.2); short protein forms D1292H, D1296H.
Identifiers: ClinVar variation 3727467 (VCV003727467.2).

ClinVar aggregate classification (germline): Uncertain significance (1 of 4 stars; one submission).

Submission:

Labcorp Genetics (formerly Invitae), Labcorp
Classification: Uncertain significance. Last evaluated: 2024-12-17. Review status: criteria provided, single submitter. Criteria: Invitae Variant Classification Sherloc (09022015). Collection method: clinical testing. Allele origin: germline.
Comment: This sequence change replaces aspartic acid, which is acidic and polar, with histidine, which is basic and polar, at codon 1296 of the CLTC protein (p.Asp1296His). This variant is not present in population databases (gnomAD no frequency). This variant has not been reported in the literature in individuals affected with CLTC-related conditions. Experimental studies and prediction algorithms are not available or were not evaluated, and the functional significance of this variant is currently unknown. In summary, the available evidence is currently insufficient to determine the role of this variant in disease. Therefore, it has been classified as a Variant of Uncertain Significance.